The following is an entry in ClinVar:

NM_001080517.3(SETD5):c.3146C>G (p.Ala1049Gly)

Gene: SETD5 (SET domain containing 5; plus strand). Cytogenetic location: 3p25.3.
Variant type: single nucleotide variant.
Coding change: c.3146C>G on transcript NM_001080517.3 (MANE Select); coding-DNA position 3146, C replaced by G.
Protein change: p.Ala1049Gly; replaces alanine 1049 with glycine.
Molecular consequence: missense variant.
Genome position (GRCh38, 1-based): chr3:9,470,880, C>G. VCF-style: chr3-9470880-C-G. GRCh37 (hg19) VCF-style: chr3-9512564-C-G.
Other names: c.2852C>G, p.Ala951Gly (NM_001292043.2, NM_001349451.2); short protein forms A951G, A1049G.
Identifiers: ClinVar variation 2068017 (VCV002068017.4), dbSNP rs2473813996, ClinGen allele CA351682727.

ClinVar aggregate classification (germline): Uncertain significance (1 of 4 stars; one submission).

Submission:

Labcorp Genetics (formerly Invitae), Labcorp
Classification: Uncertain significance. Last evaluated: 2022-03-22. Review status: criteria provided, single submitter. Criteria: Invitae Variant Classification Sherloc (09022015). Collection method: clinical testing. Allele origin: germline.
Comment: In summary, the available evidence is currently insufficient to determine the role of this variant in disease. Therefore, it has been classified as a Variant of Uncertain Significance. Algorithms developed to predict the effect of missense changes on protein structure and function (SIFT, PolyPhen-2, Align-GVGD) all suggest that this variant is likely to be tolerated. This variant has not been reported in the literature in individuals affected with SETD5-related conditions. This variant is not present in population databases (gnomAD no frequency). This sequence change replaces alanine, which is neutral and non-polar, with glycine, which is neutral and non-polar, at codon 1049 of the SETD5 protein (p.Ala1049Gly).